The following is an entry in ClinVar:

ClinVar aggregate classification (germline): Uncertain significance (1 of 4 stars; one submission).

Conditions:
Inborn genetic diseases. Identifiers: MedGen C0950123, MeSH D030342.

Submission:

Ambry Genetics
Classification: Uncertain significance for Inborn genetic diseases. Last evaluated: 2025-05-05. Review status: criteria provided, single submitter. Criteria: Ambry Variant Classification Scheme 2023. Collection method: clinical testing. Allele origin: germline.
Comment: The c.787T>C (p.F263L) alteration is located in exon 6 (coding exon 5) of the PRPF8 gene. This alteration results from a T to C substitution at nucleotide position 787, causing the phenylalanine (F) at amino acid position 263 to be replaced by a leucine (L). This variant was not reported in population-based cohorts in the Genome Aggregation Database (gnomAD). This amino acid position is highly conserved in available vertebrate species. This alteration is predicted to be deleterious by in silico analysis. Based on insufficient or conflicting evidence, the clinical significance of this alteration remains unclear.

NM_006445.4(PRPF8):c.787T>C (p.Phe263Leu)

Gene: PRPF8 (pre-mRNA processing factor 8; minus strand). Cytogenetic location: 17p13.3.
Variant type: single nucleotide variant.
Coding change: c.787T>C on transcript NM_006445.4 (MANE Select); coding-DNA position 787, T replaced by C.
Protein change: p.Phe263Leu; replaces phenylalanine 263 with leucine.
Molecular consequence: missense variant.
Genome position (GRCh38, 1-based): chr17:1,681,557, A>G on the plus strand (T>C on the coding strand, the complement: PRPF8 is on the minus strand). VCF-style: chr17-1681557-A-G. GRCh37 (hg19) VCF-style: chr17-1584851-A-G.
Other names: short protein forms F263L.
Identifiers: ClinVar variation 3783658 (VCV003783658.2).